The following is an entry in ClinVar:

ClinVar aggregate classification (germline): Uncertain significance (1 of 4 stars; one submission).

Conditions:
Fibrous dysplasia of jaw (CRBM). Also called: Cherubism. Identifiers: Orphanet 184, MedGen C0008029, MONDO:0007315, OMIM 118400.

gnomAD v4.1: 1 of 1,579,584 alleles (0.000063%); highest among the groups gnomAD compares: East Asian, 0.0023%; no homozygotes.

Submission:

Labcorp Genetics (formerly Invitae), Labcorp
Classification: Uncertain significance for Fibrous dysplasia of jaw. Last evaluated: 2024-10-10. Review status: criteria provided, single submitter. Criteria: Invitae Variant Classification Sherloc (09022015). Collection method: clinical testing. Allele origin: germline.
Comment: This sequence change replaces tyrosine, which is neutral and polar, with histidine, which is basic and polar, at codon 557 of the SH3BP2 protein (p.Tyr557His). This variant is not present in population databases (gnomAD no frequency). This variant has not been reported in the literature in individuals affected with SH3BP2-related conditions. Invitae Evidence Modeling of protein sequence and biophysical properties (such as structural, functional, and spatial information, amino acid conservation, physicochemical variation, residue mobility, and thermodynamic stability) indicates that this missense variant is not expected to disrupt SH3BP2 protein function with a negative predictive value of 95%. In summary, the available evidence is currently insufficient to determine the role of this variant in disease. Therefore, it has been classified as a Variant of Uncertain Significance.

NM_001122681.2(SH3BP2):c.1669T>C (p.Tyr557His)

Gene: SH3BP2 (SH3 domain binding protein 2; plus strand). Cytogenetic location: 4p16.3.
Variant type: single nucleotide variant.
Coding change: c.1669T>C on transcript NM_001122681.2 (MANE Select); coding-DNA position 1669, T replaced by C.
Protein change: p.Tyr557His; replaces tyrosine 557 with histidine.
Molecular consequence: missense variant.
Genome position (GRCh38, 1-based): chr4:2,833,817, T>C. VCF-style: chr4-2833817-T-C. GRCh37 (hg19) VCF-style: chr4-2835544-T-C.
Other names: c.1753T>C, p.Tyr585His (NM_001145855.2); c.1840T>C, p.Tyr614His (NM_001145856.2); c.1669T>C, p.Tyr557His (NM_003023.4); short protein forms Y557H, Y585H, Y614H.
Identifiers: ClinVar variation 3683448 (VCV003683448.2).
Genomic context (GRCh38, chr4:2,833,817, plus strand): 5'-CACTACCACACCCACGTGCTGCCCAGCCACCAGAGCCTGCTGCTGCGGCACCCCTACGGC[T>C]ACACTGGGCCTAGGTGATGGCAGTCCATGTGGCTGCCAGGCCAAGGCAGTCACAGGGGCC-3'
Protein context (NP_001116153.1, residues 547-561): QSLLLRHPYG[Tyr557His]TGPR